The following is an entry in ClinVar:

NM_020822.3(KCNT1):c.56_75dup (p.Thr26fs)

Gene: KCNT1 (potassium sodium-activated channel subfamily T member 1; plus strand). Cytogenetic location: 9q34.3.
Variant type: Duplication.
Coding change: c.56_75dup on transcript NM_020822.3 (MANE Select); coding-DNA positions 56 to 75, 20 bases duplicated (GCGGGGGCTACACCAACCGG).
Protein change: p.Thr26fs; shifts the reading frame from threonine 26.
Molecular consequence: frameshift variant.
Genome position (GRCh38, 1-based): chr9:135,702,314-135,702,333, GCGGGGGCTACACCAACCGG duplicated; duplicating any 20 consecutive bases within chr9:135,702,313-135,702,333 gives the same sequence; the c. name uses the placement nearest the transcript's 3' end. VCF-style (leftmost placement, unchanged base first): chr9-135702312-C-CGGCGGGGGCTACACCAACCG. GRCh37 (hg19) VCF-style: chr9-138594158-C-CGGCGGGGGCTACACCAACCG.
Other names: c.56_75dup, p.Thr26fs (NM_001272003.2); short protein forms T26fs.
Identifiers: ClinVar variation 1878515 (VCV001878515.4), dbSNP rs1564304707, ClinGen allele CA918575782.

ClinVar aggregate classification (germline): Uncertain significance. Review status: criteria provided, multiple submitters, no conflicts (2 of 4 stars). 2 submissions from 2 submitters: Uncertain significance (2). Last evaluated 2023-10-06.

Conditions:
Autosomal dominant nocturnal frontal lobe epilepsy 5. Also called: CILIARY DYSKINESIA, PRIMARY, 28, WITHOUT SITUS INVERSUS; Epilepsy, nocturnal frontal lobe, 5; KCNT1-Related Epilepsy; CILIARY DYSKINESIA, PRIMARY, 28, WITH SITUS INVERSUS. Identifiers: Orphanet 98784, MedGen C3554306, MONDO:0014002, OMIM 615005.
Developmental and epileptic encephalopathy, 14 (DEE14). Also called: Early infantile epileptic encephalopathy 14. Identifiers: Orphanet 293181, MedGen C3554195, MONDO:0013989, OMIM 614959.

Submissions (2):

Labcorp Genetics (formerly Invitae), Labcorp
Classification: Uncertain significance for Autosomal dominant nocturnal frontal lobe epilepsy 5; Developmental and epileptic encephalopathy, 14. Last evaluated: 2023-10-06. Review status: criteria provided, single submitter. Criteria: Invitae Variant Classification Sherloc (09022015). Collection method: clinical testing. Allele origin: germline.
Comment: This sequence change creates a premature translational stop signal (p.Thr26Alafs*36) in the KCNT1 gene. It is expected to result in an absent or disrupted protein product. However, the current clinical and genetic evidence is not sufficient to establish whether loss-of-function variants in KCNT1 cause disease. This variant is not present in population databases (gnomAD no frequency). This variant has not been reported in the literature in individuals affected with KCNT1-related conditions. ClinVar contains an entry for this variant (Variation ID: 1878515). In summary, the available evidence is currently insufficient to determine the role of this variant in disease. Therefore, it has been classified as a Variant of Uncertain Significance.

Neuberg Centre For Genomic Medicine, NCGM
Classification: Uncertain significance for Autosomal dominant nocturnal frontal lobe epilepsy 5. Review status: criteria provided, single submitter. Criteria: ACMG Guidelines, 2015. Collection method: clinical testing. Allele origin: germline. Affected: yes.
Comment: The frameshift duplication p.T26Afs*36 in KCNT1 (NM_020822.2) has not been reported previously as a pathogenic variant nor as a benign variant, to our knowledge. This variant is predicted to cause loss of normal protein function through protein truncation caused a frameshift mutation. The frame shifted sequence continues 36 residues until a stop codon is reached.It has been observed in one control sample in the gnomad database.For these reasons, this variant has been classified as Uncertain Significance.